The following is an entry in ClinVar:

ClinVar aggregate classification (germline): Uncertain significance (1 of 4 stars; one submission).

Allele frequency attached by ClinVar (database versions not stated): gnomAD exomes 0.00001; TOPMed 0.00002.
gnomAD v4.1: 4 of 1,614,112 alleles (0.00025%); highest among the groups gnomAD compares: Admixed American, 0.0017%; no homozygotes.

Submission:

GeneDx
Classification: Uncertain significance. Last evaluated: 2024-01-07. Review status: criteria provided, single submitter. Criteria: GeneDx Variant Classification Process June 2021. Collection method: clinical testing. Allele origin: germline. Affected: yes.
Comment: In silico analysis supports that this missense variant does not alter protein structure/function; Has not been previously published as pathogenic or benign to our knowledge

NM_001127644.2(GABRA1):c.29G>C (p.Cys10Ser)

Gene: GABRA1 (gamma-aminobutyric acid type A receptor subunit alpha1; plus strand). Cytogenetic location: 5q34.
Variant type: single nucleotide variant.
Coding change: c.29G>C on transcript NM_001127644.2 (MANE Select); coding-DNA position 29, G replaced by C.
Protein change: p.Cys10Ser; replaces cysteine 10 with serine.
Molecular consequence: missense variant.
Genome position (GRCh38, 1-based): chr5:161,850,839, G>C. VCF-style: chr5-161850839-G-C. GRCh37 (hg19) VCF-style: chr5-161277845-G-C.
Other names: c.29G>C, p.Cys10Ser (NM_000806.5, NM_001127643.2, NM_001127645.2 and 1 more transcripts); short protein forms C10S.
Identifiers: ClinVar variation 3252171 (VCV003252171.1), dbSNP rs1476709358.
Genomic context (GRCh38, chr5:161,850,839, plus strand): 5'-CTTATTCTACTTTTCAGCTGCTCCAGCCCGCGATGAGGAAAAGTCCAGGTCTGTCTGACT[G>C]TCTTTGGGCCTGGATCCTCCTTCTGAGCACACTGACTGGAAGAAGGTGGGGACACTTTTT-3'
Protein context (NP_001121116.1, residues 1-20): MRKSPGLSD[Cys10Ser]LWAWILLLST